The following is an entry in ClinVar:

ClinVar aggregate classification (somatic clinical impact): Tier II - Potential (1 of 4 stars; one submission).

Conditions:
Melanoma. Identifiers: MedGen C0025202, MeSH D008545, MONDO:0005105, HP:0002861.

gnomAD v4.1: 16 of 1,597,670 alleles (0.001%); highest among the groups gnomAD compares: African/African-American, 0.0068%; no homozygotes.

Submission:

Institute for Genomic Medicine (IGM) Clinical Laboratory, Nationwide Children's Hospital
Classification: Tier II - Potential for Melanoma. Assertion type: diagnostic. Clinical significance: supports diagnosis. Last evaluated: 2025-07-04. Review status: criteria provided, single submitter. Criteria: AMP/ASCO/CAP Guidelines, 2017. Collection method: clinical testing. Allele origin: somatic. Affected: yes.
Comment: Variant has Tier II (potential) clinical significance as a diagnostic inclusion criterion in melanoma, based on the following evidence: 1) Documented in one or more cancer databases (e.g., St. Jude Pecan, COSMIC, CIViC, OncoKB). 2) Diagnostic significance based on multiple small studies (Evidence Level C; PMIDs: 22622578, 26359337).

Literature cited by the submitters: PubMed 22622578; PubMed 26359337.

NM_024870.4(PREX2):c.1694C>T (p.Ser565Leu)

Gene: PREX2 (phosphatidylinositol-3,4,5-trisphosphate dependent Rac exchange factor 2; plus strand). Cytogenetic location: 8q13.2.
Variant type: single nucleotide variant.
Coding change: c.1694C>T on transcript NM_024870.4 (MANE Select); coding-DNA position 1694, C replaced by T.
Protein change: p.Ser565Leu; replaces serine 565 with leucine.
Molecular consequence: missense variant.
Genome position (GRCh38, 1-based): chr8:68,080,494, C>T. VCF-style: chr8-68080494-C-T. GRCh37 (hg19) VCF-style: chr8-68992729-C-T.
Other names: c.1694C>T, p.Ser565Leu (NM_025170.6); short protein forms S565L.
Identifiers: ClinVar variation 4530417 (VCV004530417.1).